The following is an entry in ClinVar:

NM_000026.4(ADSL):c.1187del (p.Arg396fs)

Gene: ADSL (adenylosuccinate lyase; plus strand). Cytogenetic location: 22q13.1.
Variant type: Deletion.
Coding change: c.1187del on transcript NM_000026.4 (MANE Select); coding-DNA position 1187, one base deleted (G; older notation c.1187delG).
Protein change: p.Arg396fs; shifts the reading frame from arginine 396.
Molecular consequence: frameshift variant. On other transcripts: non-coding transcript variant (1).
Genome position (GRCh38, 1-based): chr22:40,364,361, G deleted. VCF-style (leftmost placement, unchanged base first): chr22-40364360-CG-C. GRCh37 (hg19) VCF-style: chr22-40760364-CG-C.
Other names: c.1187del, p.Arg396fs (NM_001123378.3, NM_001363840.3); c.995del, p.Arg332fs (NM_001317923.2); short protein forms R396fs, R332fs.
Identifiers: ClinVar variation 935347 (VCV000935347.7), dbSNP rs2044916556, ClinGen allele CA1139667115.

ClinVar aggregate classification (germline): Pathogenic (1 of 4 stars; one submission).

Conditions:
Adenylosuccinate lyase deficiency (ADSLD). Also called: ADSL DEFICIENCY. Identifiers: Orphanet 46, MedGen C0268126, MONDO:0007068, OMIM 103050.

Submission:

Labcorp Genetics (formerly Invitae), Labcorp
Classification: Pathogenic for Adenylosuccinate lyase deficiency. Last evaluated: 2024-10-28. Review status: criteria provided, single submitter. Criteria: Invitae Variant Classification Sherloc (09022015). Collection method: clinical testing. Allele origin: germline.
Comment: This sequence change creates a premature translational stop signal (p.Arg396Profs*29) in the ADSL gene. It is expected to result in an absent or disrupted protein product. Loss-of-function variants in ADSL are known to be pathogenic (PMID: 10888601, 20177786). This variant is not present in population databases (gnomAD no frequency). This variant has not been reported in the literature in individuals affected with ADSL-related conditions. ClinVar contains an entry for this variant (Variation ID: 935347). For these reasons, this variant has been classified as Pathogenic.

Literature cited by the submitters: PubMed 10888601; PubMed 20177786.